The following is an entry in ClinVar:

NM_000202.8(IDS):c.938G>A (p.Arg313His)

Genes: IDS (iduronate 2-sulfatase; minus strand), LOC106050102 (IDS recombination region; plus strand). Cytogenetic location: Xq28.
Variant type: single nucleotide variant.
Coding change: c.938G>A on transcript NM_000202.8 (MANE Select); coding-DNA position 938, G replaced by A.
Protein change: p.Arg313His; replaces arginine 313 with histidine.
Molecular consequence: missense variant. On other transcripts: non-coding transcript variant (1).
Genome position (GRCh38, 1-based): chrX:149,490,382, C>T on the plus strand (G>A on the coding strand, the complement: IDS is on the minus strand). VCF-style: chrX-149490382-C-T. GRCh37 (hg19) VCF-style: chrX-148571913-C-T.
Other names: c.668G>A, p.Arg223His (NM_001166550.4); c.938G>A, p.Arg313His (NM_006123.5); short protein forms R223H, R313H.
Identifiers: ClinVar variation 2632217 (VCV002632217.1), dbSNP rs2520812631, ClinGen allele CA414520214.

ClinVar aggregate classification (germline): Uncertain significance (1 of 4 stars; one submission).

Conditions:
IDS-related disorder. Also called: IDS-related condition.

Allele frequency attached by ClinVar (database versions not stated): gnomAD exomes below 0.00001.

Submission:

PreventionGenetics, part of Exact Sciences
Classification: Uncertain significance for IDS-related condition. Last evaluated: 2023-06-10. Review status: criteria provided, single submitter. Criteria: ACMG Guidelines, 2015. Collection method: clinical testing. Allele origin: germline.
Comment: The IDS c.938G>A variant is predicted to result in the amino acid substitution p.Arg313His. To our knowledge, this variant has not been reported in the literature or in a large population database, indicating this variant is rare. At this time, the clinical significance of this variant is uncertain due to the absence of conclusive functional and genetic evidence.